The following is an entry in ClinVar:

ClinVar aggregate classification (germline): Conflicting classifications of pathogenicity. Review status: criteria provided, conflicting classifications (1 of 4 stars). 2 submissions from 2 submitters: Uncertain significance (1); Likely benign (1). Last evaluated 2024-09-10.

Conditions:
Inborn genetic diseases. Identifiers: MedGen C0950123, MeSH D030342.

Allele frequency attached by ClinVar (database versions not stated): gnomAD exomes 0.00002; ExAC 0.00003; TOPMed 0.00004; gnomAD 0.00006; ESP Exome Variant Server 0.00008.
gnomAD v4.1: 36 of 1,609,472 alleles (0.0022%); highest among the groups gnomAD compares: East Asian, 0.0045%; no homozygotes.

Submissions (2):

Ambry Genetics
Classification: Likely benign for Inborn genetic diseases. Last evaluated: 2024-09-10. Review status: criteria provided, single submitter. Criteria: Ambry Variant Classification Scheme 2023. Collection method: clinical testing. Allele origin: germline.

Labcorp Genetics (formerly Invitae), Labcorp
Classification: Uncertain significance. Last evaluated: 2022-08-23. Review status: criteria provided, single submitter. Criteria: Invitae Variant Classification Sherloc (09022015). Collection method: clinical testing. Allele origin: germline.
Comment: This sequence change replaces aspartic acid, which is acidic and polar, with asparagine, which is neutral and polar, at codon 518 of the PNPT1 protein (p.Asp518Asn). This variant is present in population databases (rs201931980, gnomAD 0.006%). This variant has not been reported in the literature in individuals affected with PNPT1-related conditions. ClinVar contains an entry for this variant (Variation ID: 1353665). Advanced modeling of protein sequence and biophysical properties (such as structural, functional, and spatial information, amino acid conservation, physicochemical variation, residue mobility, and thermodynamic stability) performed at Invitae indicates that this missense variant is not expected to disrupt PNPT1 protein function. In summary, the available evidence is currently insufficient to determine the role of this variant in disease. Therefore, it has been classified as a Variant of Uncertain Significance.

NM_033109.5(PNPT1):c.1552G>A (p.Asp518Asn)

Gene: PNPT1 (polyribonucleotide nucleotidyltransferase 1; minus strand). Cytogenetic location: 2p16.1.
Variant type: single nucleotide variant.
Coding change: c.1552G>A on transcript NM_033109.5 (MANE Select); coding-DNA position 1552, G replaced by A.
Protein change: p.Asp518Asn; replaces aspartic acid 518 with asparagine.
Molecular consequence: missense variant.
Genome position (GRCh38, 1-based): chr2:55,647,397, C>T on the plus strand (G>A on the coding strand, the complement: PNPT1 is on the minus strand). VCF-style: chr2-55647397-C-T. GRCh37 (hg19) VCF-style: chr2-55874532-C-T.
Other names: c.1552G>A (NM_033109.3); short protein forms D518N.
Identifiers: ClinVar variation 1353665 (VCV001353665.6), dbSNP rs201931980, ClinGen allele CA1668033.